The following is an entry in ClinVar:

ClinVar aggregate classification (germline): Uncertain significance. Review status: criteria provided, multiple submitters, no conflicts (2 of 4 stars). 2 submissions from 2 submitters: Uncertain significance (2). Last evaluated 2025-10-08.

Conditions:
Inborn genetic diseases. Identifiers: MedGen C0950123, MeSH D030342.
Hereditary spastic paraplegia 75. Also called: Spastic paraplegia 75, autosomal recessive. Identifiers: Orphanet 459056, MedGen C4225250, MONDO:0014729, OMIM 616680.

Allele frequency attached by ClinVar (database versions not stated): gnomAD exomes below 0.00001.
gnomAD v4.1: 1 of 1,612,964 alleles (0.000062%); highest among the groups gnomAD compares: Non-Finnish European, 0.000085%; no homozygotes.

Submissions (2):

Ambry Genetics
Classification: Uncertain significance for Inborn genetic diseases. Last evaluated: 2025-10-08. Review status: criteria provided, single submitter. Criteria: Ambry Variant Classification Scheme 2023. Collection method: clinical testing. Allele origin: germline.

Labcorp Genetics (formerly Invitae), Labcorp
Classification: Uncertain significance for Hereditary spastic paraplegia 75. Last evaluated: 2021-02-16. Review status: criteria provided, single submitter. Criteria: Invitae Variant Classification Sherloc (09022015). Collection method: clinical testing. Allele origin: germline.
Comment: This variant has not been reported in the literature in individuals with MAG-related conditions. This variant is not present in population databases (ExAC no frequency). This sequence change replaces serine with phenylalanine at codon 39 of the MAG protein (p.Ser39Phe). The serine residue is moderately conserved and there is a large physicochemical difference between serine and phenylalanine. In summary, the available evidence is currently insufficient to determine the role of this variant in disease. Therefore, it has been classified as a Variant of Uncertain Significance. Algorithms developed to predict the effect of missense changes on protein structure and function are either unavailable or do not agree on the potential impact of this missense change (SIFT: "Deleterious"; PolyPhen-2: "Possibly Damaging"; Align-GVGD: "Class C0").

NM_002361.4(MAG):c.116C>T (p.Ser39Phe)

Gene: MAG (myelin associated glycoprotein; plus strand). Cytogenetic location: 19q13.12.
Variant type: single nucleotide variant.
Coding change: c.116C>T on transcript NM_002361.4 (MANE Select); coding-DNA position 116, C replaced by T.
Protein change: p.Ser39Phe; replaces serine 39 with phenylalanine.
Molecular consequence: missense variant.
Genome position (GRCh38, 1-based): chr19:35,295,682, C>T. VCF-style: chr19-35295682-C-T. GRCh37 (hg19) VCF-style: chr19-35786585-C-T.
Other names: c.41C>T, p.Ser14Phe (NM_001199216.2); c.116C>T, p.Ser39Phe (NM_080600.3); c.116C>T (NM_002361.3); short protein forms S39F, S14F.
Identifiers: ClinVar variation 1362969 (VCV001362969.9), dbSNP rs201798784, ClinGen allele CA307749935.
Genomic context (GRCh38, chr19:35,295,682, plus strand): 5'-GGGGTCACTGGGGTGCCTGGATGCCCTCGTCCATCTCGGCCTTCGAAGGCACGTGCGTCT[C>T]CATCCCCTGCCGCTTTGACTTCCCGGATGAGCTGCGGCCCGCTGTGGTGCATGGTGTCTG-3'
Protein context (NP_002352.1, residues 29-49): SISAFEGTCV[Ser39Phe]IPCRFDFPDE